The following is an entry in ClinVar:

NM_004628.5(XPC):c.2633C>G (p.Ala878Gly)

Gene: XPC (XPC complex subunit, DNA damage recognition and repair factor; minus strand). Cytogenetic location: 3p25.1.
Variant type: single nucleotide variant.
Coding change: c.2633C>G on transcript NM_004628.5 (MANE Select); coding-DNA position 2633, C replaced by G.
Protein change: p.Ala878Gly; replaces alanine 878 with glycine.
Molecular consequence: missense variant. On other transcripts: non-coding transcript variant (2).
Genome position (GRCh38, 1-based): chr3:14,146,131, G>C on the plus strand (C>G on the coding strand, the complement: XPC is on the minus strand). VCF-style: chr3-14146131-G-C. GRCh37 (hg19) VCF-style: chr3-14187631-G-C.
Other names: c.2054C>G, p.Ala685Gly (NM_001354726.2); c.2627C>G, p.Ala876Gly (NM_001354727.2); c.2615C>G, p.Ala872Gly (NM_001354729.2); c.2387C>G, p.Ala796Gly (NM_001354730.2); short protein forms A878G, A685G, A872G, A876G, A796G.
Identifiers: ClinVar variation 135474 (VCV000135474.4), dbSNP rs183167499, ClinGen allele CA162880.

ClinVar aggregate classification (germline): Uncertain significance. Review status: criteria provided, multiple submitters, no conflicts (2 of 4 stars). 4 submissions from 4 submitters: Uncertain significance (2). 2 of the submissions do not count toward it. Last evaluated 2021-12-13.

Conditions:
Xeroderma pigmentosum, group C (XPC). Also called: XPC-Related Xeroderma Pigmentosum; Xeroderma pigmentosum, complementation group C; XERODERMA PIGMENTOSUM III; XP, GROUP C. Identifiers: Orphanet 910, MedGen C2752147, MONDO:0010211, OMIM 278720.
Xeroderma pigmentosum (XP). Identifiers: Orphanet 910, MedGen C0043346, MONDO:0019600.

Allele frequency attached by ClinVar (database versions not stated): gnomAD 0.00006; TOPMed 0.00008; 1000 Genomes Project 30x 0.00031; 1000 Genomes Project 0.00040.
gnomAD v4.1: 74 of 1,610,580 alleles (0.0046%); highest among the groups gnomAD compares: East Asian, 0.098%; no homozygotes.

Submissions (4):

Sema4
Classification: Uncertain significance for Xeroderma pigmentosum. Last evaluated: 2021-12-13. Review status: criteria provided, single submitter. Criteria: Sema4 Curation Guidelines. Collection method: curation. Allele origin: germline.
Comment: To the best of our knowledge, the XPC c.2633C>G (p.A878G) has not been reported in individuals with XPC-related disease. It was observed in 27/19418 chromosomes of the East Asian subpopulation, with no homozygotes, in the large and broad cohorts of the Genome Aggregation Database (PMID: 32461654). The variant has been reported in ClinVar (Variation ID: 135474). In silico tools suggest the impact of the variant on protein function is benign, though these predictions have not been confirmed by functional studies. There is no indication that this variant causes disease, but the evidence is insufficient currently to prove that conclusively. Thus, the clinical significance of this variant is currently uncertain.

Fulgent Genetics
Classification: Uncertain significance for Xeroderma pigmentosum, group C. Last evaluated: 2021-07-11. Review status: criteria provided, single submitter. Criteria: ACMG Guidelines, 2015. Collection method: clinical testing. Allele origin: unknown.

Counsyl
Classification: Uncertain significance for Xeroderma pigmentosum, group C. Last evaluated: 2017-01-17. Review status: no assertion criteria provided. Collection method: clinical testing. Allele origin: unknown. Not counted in ClinVar's aggregate classification.

ITMI
No classification provided. Condition: AllHighlyPenetrant. Last evaluated: 2013-09-19. Review status: no classification provided. Collection method: reference population. Allele origin: germline. Not counted in ClinVar's aggregate classification.
Comment: Please see associated publication for description of ethnicities

Literature cited by the submitters: PubMed 24728327 (cited by ITMI).